The following is an entry in ClinVar:

NM_001287491.2(TET3):c.5062C>G (p.Arg1688Gly)

Gene: TET3 (tet methylcytosine dioxygenase 3; plus strand). Cytogenetic location: 2p13.1.
Variant type: single nucleotide variant.
Coding change: c.5062C>G on transcript NM_001287491.2 (MANE Select); coding-DNA position 5062, C replaced by G.
Protein change: p.Arg1688Gly; replaces arginine 1688 with glycine.
Molecular consequence: missense variant.
Genome position (GRCh38, 1-based): chr2:74,101,850, C>G. VCF-style: chr2-74101850-C-G. GRCh37 (hg19) VCF-style: chr2-74328977-C-G.
Other names: c.4783C>G, p.Arg1595Gly (NM_001366022.1); short protein forms R1595G, R1688G.
Identifiers: ClinVar variation 1331623 (VCV001331623.4), dbSNP rs2104233612, ClinGen allele CA347323732.

ClinVar aggregate classification (germline): Likely pathogenic (1 of 4 stars; one submission).

Submission:

Greenwood Genetic Center Diagnostic Laboratories, Greenwood Genetic Center
Classification: Likely pathogenic. Last evaluated: 2021-03-22. Review status: criteria provided, single submitter. Criteria: ACMG Guidelines, 2015. Collection method: clinical testing. Allele origin: germline. Affected: yes.
Comment: PS2, PP3, PM2